The following is an entry in ClinVar:

ClinVar aggregate classification (germline): Pathogenic (1 of 4 stars; one submission).

Submission:

Labcorp Genetics (formerly Invitae), Labcorp
Classification: Pathogenic. Last evaluated: 2025-11-25. Review status: criteria provided, single submitter. Criteria: Invitae Variant Classification Sherloc (09022015). Collection method: clinical testing. Allele origin: germline.
Comment: This sequence change creates a premature translational stop signal (p.Ala115Profs*9) in the NOG gene. While this is not anticipated to result in nonsense mediated decay, it is expected to disrupt the last 118 amino acid(s) of the NOG protein. This variant is not present in population databases (gnomAD no frequency). This variant has not been reported in the literature in individuals affected with NOG-related conditions. This variant disrupts a region of the NOG protein in which other variant(s) (p.Tyr222Cys) have been determined to be pathogenic (PMID: 10080184, 11545688). This suggests that this is a clinically significant region of the protein, and that variants that disrupt it are likely to be disease-causing. For these reasons, this variant has been classified as Pathogenic.

Literature cited by the submitters: PubMed 10080184; PubMed 11545688.

NM_005450.6(NOG):c.343del (p.Ala115fs)

Gene: NOG (noggin; plus strand). Cytogenetic location: 17q22.
Variant type: Deletion.
Coding change: c.343del on transcript NM_005450.6 (MANE Select); coding-DNA position 343, one base deleted (G; older notation c.343delG).
Protein change: p.Ala115fs; shifts the reading frame from alanine 115.
Molecular consequence: frameshift variant.
Genome position (GRCh38, 1-based): chr17:56,594,566, G deleted; the last of 5 consecutive G bases (chr17:56,594,562-56,594,566); deleting any one gives the same sequence. VCF-style (leftmost placement, unchanged base first): chr17-56594561-CG-C. GRCh37 (hg19) VCF-style: chr17-54671922-CG-C.
Other names: short protein forms A115fs.
Identifiers: ClinVar variation 4731822 (VCV004731822.1).
Genomic context (GRCh38, chr17:56,594,561, plus strand): 5'-GTGCAGCTGGGGGCGCGGAGGACCTGGCGGAGCTGGACCAGCTGCTGCGGCAGCGGCCGT[CG>C]GGGGCCATGCCGAGCGAGATCAAAGGGCTAGAGTTCTCCGAGGGCTTGGCCCAGGGCAAG-3'